The following is an entry in ClinVar:

ClinVar aggregate classification (germline): Uncertain significance. Review status: criteria provided, multiple submitters, no conflicts (2 of 4 stars). 5 submissions from 5 submitters: Uncertain significance (4). 1 of the submissions does not count toward it. Last evaluated 2024-11-03.

Conditions:
VPS13B-related disorder. Also called: VPS13B-related condition.
Inborn genetic diseases. Identifiers: MedGen C0950123, MeSH D030342.
Cohen syndrome (COH1). Also called: Cutis verticis gyrata, retinitis pigmentosa, and sensorineural deafness; PEPPER SYNDROME. Identifiers: Orphanet 193, MedGen C0265223, MONDO:0008999, OMIM 216550.

Allele frequency attached by ClinVar (database versions not stated): gnomAD exomes below 0.00001; TOPMed below 0.00001; ExAC 0.00001; gnomAD 0.00001.
gnomAD v4.1: 3 of 1,613,938 alleles (0.00019%); highest among the groups gnomAD compares: East Asian, 0.0022%; no homozygotes.

Submissions (5):

PreventionGenetics, part of Exact Sciences
Classification: Uncertain significance for VPS13B-related condition. Last evaluated: 2024-11-03. Review status: criteria provided, single submitter. Criteria: ACMG Guidelines, 2015. Collection method: clinical testing. Allele origin: germline.
Comment: The VPS13B c.1772T>C variant is predicted to result in the amino acid substitution p.Val591Ala. To our knowledge, this variant has not been reported in the literature. This variant is reported in 0.0040% of alleles in individuals of African descent in gnomAD. At this time, the clinical significance of this variant is uncertain due to the absence of conclusive functional and genetic evidence.

Fulgent Genetics
Classification: Uncertain significance for Cohen syndrome. Last evaluated: 2024-02-22. Review status: criteria provided, single submitter. Criteria: ACMG Guidelines, 2015. Collection method: clinical testing. Allele origin: germline.

Ambry Genetics
Classification: Uncertain significance for Inborn genetic diseases. Last evaluated: 2022-05-09. Review status: criteria provided, single submitter. Criteria: Ambry Variant Classification Scheme 2023. Collection method: clinical testing. Allele origin: germline.

Labcorp Genetics (formerly Invitae), Labcorp
Classification: Uncertain significance for Cohen syndrome. Last evaluated: 2022-03-02. Review status: criteria provided, single submitter. Criteria: Invitae Variant Classification Sherloc (09022015). Collection method: clinical testing. Allele origin: germline.
Comment: This sequence change replaces valine with alanine at codon 591 of the VPS13B protein (p.Val591Ala). The valine residue is moderately conserved and there is a small physicochemical difference between valine and alanine. The frequency data for this variant in the population databases is considered unreliable, as metrics indicate poor data quality at this position in the gnomAD database. This variant has not been reported in the literature in individuals affected with VPS13B-related conditions. ClinVar contains an entry for this variant (Variation ID: 947201). Algorithms developed to predict the effect of missense changes on protein structure and function are either unavailable or do not agree on the potential impact of this missense change (SIFT: "Not Available"; PolyPhen-2: "Possibly Damaging"; Align-GVGD: "Not Available"). In summary, the available evidence is currently insufficient to determine the role of this variant in disease. Therefore, it has been classified as a Variant of Uncertain Significance.

Natera, Inc.
Classification: Uncertain significance for Cohen syndrome. Last evaluated: 2021-08-02. Review status: no assertion criteria provided. Collection method: clinical testing. Allele origin: germline. Not counted in ClinVar's aggregate classification.

NM_152564.5(VPS13B):c.1772T>C (p.Val591Ala)

Gene: VPS13B (vacuolar protein sorting 13 homolog B; plus strand). Cytogenetic location: 8q22.2.
Variant type: single nucleotide variant.
Coding change: c.1772T>C on transcript NM_152564.5 (MANE Select); coding-DNA position 1772, T replaced by C.
Protein change: p.Val591Ala; replaces valine 591 with alanine.
Molecular consequence: missense variant.
Genome position (GRCh38, 1-based): chr8:99,143,094, T>C. VCF-style: chr8-99143094-T-C. GRCh37 (hg19) VCF-style: chr8-100155322-T-C.
Other names: c.1772T>C (NM_152564.4, NM_017890.3); c.1772T>C, p.Val591Ala (NM_015243.3, NM_017890.5); short protein forms V591A.
Identifiers: ClinVar variation 947201 (VCV000947201.9), dbSNP rs753616467, ClinGen allele CA4822738.